The following is an entry in ClinVar:

NM_000138.4(FBN1):c.5423-?_*2684+?del

Gene: FBN1 (fibrillin 1; minus strand).
Variant type: Deletion.
Coding change: c.5423-?_*2684+?del on transcript NM_000138.4.
Other names: c.5423-?_*2684+?del (LRG_778t1).
Identifiers: ClinVar variation 237097 (VCV000237097.1).

ClinVar aggregate classification (germline): Pathogenic (1 of 4 stars; one submission).

Conditions:
Marfan syndrome (MFS). Also called: MARFAN SYNDROME, TYPE I; FBN1-Related Marfan Syndrome; Marfan syndrome, classic; Marfan syndrome type 1; Marfan's syndrome. Identifiers: Orphanet 284963, Orphanet 558, MedGen C0024796, MONDO:0007947, OMIM 154700.

Submission:

Labcorp Genetics (formerly Invitae), Labcorp
Classification: Pathogenic for Marfan syndrome. Last evaluated: 2016-01-02. Review status: criteria provided, single submitter. Criteria: Invitae Variant Classification Sherloc (09022015). Collection method: clinical testing. Allele origin: germline.
Comment: This variant is a gross deletion of the genomic region encompassing exons 45-66 of the FBN1 gene. The 5' boundary is likely confined to the intronic region between exons 44 and 45. The 3' end of this event is unknown as it extends through the termination codon beyond the assayed region for this gene and may encompass additional genes. While this deletion is not anticipated to result in nonsense mediated decay, it is expected to create a truncated FBN1 protein. While this particular variant has not been reported in the literature, truncating variants in FBN1 are known to be pathogenic (PMID: 17657824, 19293843). For these reasons, this variant has been classified as Pathogenic.